The following is an entry in ClinVar:

NM_030962.4(SBF2):c.5192C>T (p.Thr1731Met)

Genes: SBF2 (SET binding factor 2; minus strand), SBF2-AS1 (SBF2 antisense RNA 1; plus strand), LOC105369149 (uncharacterized LOC105369149; plus strand). Cytogenetic location: 11p15.4.
Variant type: single nucleotide variant.
Coding change: c.5192C>T on transcript NM_030962.4 (MANE Select); coding-DNA position 5192, C replaced by T.
Protein change: p.Thr1731Met; replaces threonine 1731 with methionine.
Molecular consequence: missense variant.
Genome position (GRCh38, 1-based): chr11:9,785,164, G>A on the plus strand (C>T on the coding strand, the complement: SBF2 is on the minus strand). VCF-style: chr11-9785164-G-A. GRCh37 (hg19) VCF-style: chr11-9806711-G-A.
Other names: c.5288C>T, p.Thr1763Met (NM_001386339.1); c.5063C>T, p.Thr1688Met (NM_001386342.1); short protein forms T1688M, T1731M, T1763M.
Identifiers: ClinVar variation 2161240 (VCV002161240.4), dbSNP rs142041264, ClinGen allele CA5880773.

ClinVar aggregate classification (germline): Uncertain significance. Review status: criteria provided, multiple submitters, no conflicts (2 of 4 stars). 2 submissions from 2 submitters: Uncertain significance (2). Last evaluated 2024-06-15.

Conditions:
Charcot-Marie-Tooth disease type 4. Also called: Charcot-Marie-Tooth disease, type IV; Charcot-Marie-Tooth, Type 4. Identifiers: Orphanet 64749, MedGen C4082197, MONDO:0018995.
Inborn genetic diseases. Identifiers: MedGen C0950123, MeSH D030342.

Allele frequency attached by ClinVar (database versions not stated): ExAC 0.00001; gnomAD exomes 0.00001; TOPMed 0.00003; gnomAD 0.00004; ESP Exome Variant Server 0.00008.
gnomAD v4.1: 16 of 1,613,640 alleles (0.00099%); highest among the groups gnomAD compares: African/African-American, 0.0093%; no homozygotes.

Submissions (2):

Labcorp Genetics (formerly Invitae), Labcorp
Classification: Uncertain significance for Charcot-Marie-Tooth disease type 4. Last evaluated: 2024-06-15. Review status: criteria provided, single submitter. Criteria: Invitae Variant Classification Sherloc (09022015). Collection method: clinical testing. Allele origin: germline.
Comment: This sequence change replaces threonine, which is neutral and polar, with methionine, which is neutral and non-polar, at codon 1731 of the SBF2 protein (p.Thr1731Met). This variant is present in population databases (rs142041264, gnomAD 0.01%). This variant has not been reported in the literature in individuals affected with SBF2-related conditions. ClinVar contains an entry for this variant (Variation ID: 2161240). Advanced modeling of protein sequence and biophysical properties (such as structural, functional, and spatial information, amino acid conservation, physicochemical variation, residue mobility, and thermodynamic stability) performed at Invitae indicates that this missense variant is expected to disrupt SBF2 protein function with a positive predictive value of 80%. In summary, the available evidence is currently insufficient to determine the role of this variant in disease. Therefore, it has been classified as a Variant of Uncertain Significance.

Ambry Genetics
Classification: Uncertain significance for Inborn genetic diseases. Last evaluated: 2022-10-27. Review status: criteria provided, single submitter. Criteria: Ambry Variant Classification Scheme 2023. Collection method: clinical testing. Allele origin: germline.